The following is an entry in ClinVar:

ClinVar aggregate classification (germline): Uncertain significance (0 of 4 stars; one submission).

Submission:

Leiden Open Variation Database
Classification: Uncertain significance. Last evaluated: 2020-02-28. Review status: no assertion criteria provided. Collection method: curation. Allele origin: germline. Affected: yes.
Comment: Curator: Arleen D. Auerbach. Submitter to LOVD: Daniela Pilonetto.

NM_000135.4(FANCA):c.2808G>C (p.Glu936Asp)

Gene: FANCA (FA complementation group A; minus strand). Cytogenetic location: 16q24.3.
Variant type: single nucleotide variant.
Coding change: c.2808G>C on transcript NM_000135.4 (MANE Select); coding-DNA position 2808, G replaced by C.
Protein change: p.Glu936Asp; replaces glutamic acid 936 with aspartic acid.
Molecular consequence: missense variant.
Genome position (GRCh38, 1-based): chr16:89,761,993, C>G on the plus strand (G>C on the coding strand, the complement: FANCA is on the minus strand). VCF-style: chr16-89761993-C-G. GRCh37 (hg19) VCF-style: chr16-89828401-C-G.
Other names: c.2808G>C, p.Glu936Asp (NM_001286167.3); short protein forms E936D.
Identifiers: ClinVar variation 974041 (VCV000974041.1), dbSNP rs2038968727, ClinGen allele CA397433632.